The following is an entry in ClinVar:

ClinVar aggregate classification (germline): Uncertain significance (1 of 4 stars; one submission).

Conditions:
Inborn genetic diseases. Identifiers: MedGen C0950123, MeSH D030342.

gnomAD v4.1: 1 of 1,613,014 alleles (0.000062%); highest among the groups gnomAD compares: Non-Finnish European, 0.000085%; no homozygotes.

Submission:

Ambry Genetics
Classification: Uncertain significance for Inborn genetic diseases. Last evaluated: 2026-07-06. Review status: criteria provided, single submitter. Criteria: Ambry Variant Classification Scheme 2023. Collection method: clinical testing. Allele origin: germline.
Comment: The p.C205F variant (also known as c.614G>T), located in coding exon 1 of the WT1 gene, results from a G to T substitution at nucleotide position 614. The cysteine at codon 205 is replaced by phenylalanine, an amino acid with highly dissimilar properties. This amino acid position is conserved. In addition, this alteration is predicted to be deleterious by in silico analysis. Based on the available evidence, the clinical significance of this variant remains unclear.

NM_024426.6(WT1):c.629G>T (p.Cys210Phe)

Genes: WT1 (WT1 transcription factor; minus strand), LOC107982234 (WT1/WT1-AS bi-directional promoter region; plus strand). Cytogenetic location: 11p13.
Variant type: single nucleotide variant.
Coding change: c.629G>T on transcript NM_024426.6 (MANE Select); coding-DNA position 629, G replaced by T.
Protein change: p.Cys210Phe; replaces cysteine 210 with phenylalanine.
Molecular consequence: missense variant. On other transcripts: non-coding transcript variant (2).
Genome position (GRCh38, 1-based): chr11:32,434,732, C>A on the plus strand (G>T on the coding strand, the complement: WT1 is on the minus strand). VCF-style: chr11-32434732-C-A. GRCh37 (hg19) VCF-style: chr11-32456278-C-A.
Other names: c.629G>T, p.Cys210Phe (NM_000378.6, NM_001407044.1, NM_001407045.1 and 6 more transcripts); c.410G>T, p.Cys137Phe (NM_001429031.1, NM_001429032.1, NM_001429033.1 and 1 more transcripts); short protein forms C205F, C210F, C137F.
Identifiers: ClinVar variation 5032026 (VCV005032026.1).